The following is an entry in ClinVar:

ClinVar aggregate classification (germline): Pathogenic (1 of 4 stars; one submission).

Submission:

ISCA Site 6
Classification: Pathogenic. Last evaluated: 2011-08-12. Review status: criteria provided, single submitter. Criteria: Kaminsky et al. (Genet Med. 2011). Collection method: clinical testing. Allele origin: unknown. Affected: yes. Observed: 1 variant allele.
Comment: Copy number variation identified through the course of routine clinical cytogenomic testing in postnatal populations. Clinical assertions have been curated as described in Kaminsky et al. 2011.

GRCh38/hg38 18q21.33-23(chr18:63195579-80234429)x3

Genes: TIMM21 (translocase of inner mitochondrial membrane 21; plus strand), TMX3 (thioredoxin related transmembrane protein 3; minus strand), TSHZ1 (teashirt zinc finger homeobox 1; plus strand), TXNL4A (thioredoxin like 4A; minus strand), VPS4B (vacuolar protein sorting 4 homolog B; minus strand) and 347 more. Cytogenetic location: 18q21.33-23.
Variant type: copy number gain.
Change: copy number 3 (three copies instead of two) of chr18:63,195,579-80,234,429 (17.04 Mb, GRCh38 coordinates, 1-based), cytogenetic band 18q21.33-23.
Identifiers: ClinVar variation 58784 (VCV000058784.2).